The following is an entry in ClinVar:

NM_015693.4(INTU):c.1412C>T (p.Pro471Leu)

Genes: INTU (inturned planar cell polarity protein; plus strand), LOC126807151 (CDK7 strongly-dependent group 2 enhancer GRCh37_chr4:128607842-128609041; plus strand). Cytogenetic location: 4q28.1.
Variant type: single nucleotide variant.
Coding change: c.1412C>T on transcript NM_015693.4 (MANE Select); coding-DNA position 1412, C replaced by T.
Protein change: p.Pro471Leu; replaces proline 471 with leucine.
Molecular consequence: missense variant.
Genome position (GRCh38, 1-based): chr4:127,687,830, C>T. VCF-style: chr4-127687830-C-T. GRCh37 (hg19) VCF-style: chr4-128608985-C-T.
Other names: c.1412C>T (NM_015693.3); short protein forms P471L.
Identifiers: ClinVar variation 1396022 (VCV001396022.8), dbSNP rs565015067, ClinGen allele CA3075057.
Genomic context (GRCh38, chr4:127,687,830, plus strand): 5'-GCGCCAGTCCCAGTGCTCAGCAGTACGATGCTTCCAGTGCAGTACTTTTAGACAACCTCC[C>T]TGGAGTCCGGTGGCTCACACTTCCACTGGAAATCAAGGTAATCTTAGGTATTATAAAGCA-3'
Protein context (NP_056508.2, residues 461-481): ASSAVLLDNL[Pro471Leu]GVRWLTLPLE

ClinVar aggregate classification (germline): Uncertain significance. Review status: criteria provided, multiple submitters, no conflicts (2 of 4 stars). 2 submissions from 2 submitters: Uncertain significance (2). Last evaluated 2025-12-16.

Conditions:
Inborn genetic diseases. Identifiers: MedGen C0950123, MeSH D030342.

Allele frequency attached by ClinVar (database versions not stated): gnomAD exomes 0.00002 and 0.00010; ExAC 0.00003; TOPMed 0.00003; gnomAD 0.00005; 1000 Genomes Project 0.00020; 1000 Genomes Project 30x 0.00031.
gnomAD v4.1: 34 of 1,599,772 alleles (0.0021%); highest among the groups gnomAD compares: East Asian, 0.072%; no homozygotes.

Submissions (2):

Ambry Genetics
Classification: Uncertain significance for Inborn genetic diseases. Last evaluated: 2025-12-16. Review status: criteria provided, single submitter. Criteria: Ambry Variant Classification Scheme 2023. Collection method: clinical testing. Allele origin: germline.

Labcorp Genetics (formerly Invitae), Labcorp
Classification: Uncertain significance. Last evaluated: 2022-07-26. Review status: criteria provided, single submitter. Criteria: Invitae Variant Classification Sherloc (09022015). Collection method: clinical testing. Allele origin: germline.
Comment: This sequence change replaces proline, which is neutral and non-polar, with leucine, which is neutral and non-polar, at codon 471 of the INTU protein (p.Pro471Leu). This variant is present in population databases (rs565015067, gnomAD 0.1%), and has an allele count higher than expected for a pathogenic variant. This variant has not been reported in the literature in individuals affected with INTU-related conditions. ClinVar contains an entry for this variant (Variation ID: 1396022). Algorithms developed to predict the effect of missense changes on protein structure and function are either unavailable or do not agree on the potential impact of this missense change (SIFT: "Tolerated"; PolyPhen-2: "Probably Damaging"; Align-GVGD: "Class C0"). In summary, the available evidence is currently insufficient to determine the role of this variant in disease. Therefore, it has been classified as a Variant of Uncertain Significance.